The following is an entry in ClinVar:

ClinVar aggregate classification (germline): Uncertain significance (1 of 4 stars; one submission).

Submission:

Labcorp Genetics (formerly Invitae), Labcorp
Classification: Uncertain significance. Last evaluated: 2021-01-04. Review status: criteria provided, single submitter. Criteria: Invitae Variant Classification Sherloc (09022015). Collection method: clinical testing. Allele origin: germline.
Comment: In summary, the available evidence is currently insufficient to determine the role of this variant in disease. Therefore, it has been classified as a Variant of Uncertain Significance. Algorithms developed to predict the effect of missense changes on protein structure and function are either unavailable or do not agree on the potential impact of this missense change (SIFT: "Not Available"; PolyPhen-2: "Probably Damaging"; Align-GVGD: "Not Available"). This variant has not been reported in the literature in individuals with UNC80-related conditions. This variant is not present in population databases (ExAC no frequency). This sequence change replaces threonine with serine at codon 2937 of the UNC80 protein (p.Thr2937Ser). The threonine residue is moderately conserved and there is a small physicochemical difference between threonine and serine.

NM_001371986.1(UNC80):c.9008C>G (p.Thr3003Ser)

Gene: UNC80 (unc-80 subunit of NALCN channel complex; plus strand). Cytogenetic location: 2q34.
Variant type: single nucleotide variant.
Coding change: c.9008C>G on transcript NM_001371986.1 (MANE Select); coding-DNA position 9008, C replaced by G.
Protein change: p.Thr3003Ser; replaces threonine 3003 with serine.
Molecular consequence: missense variant.
Genome position (GRCh38, 1-based): chr2:209,978,598, C>G. VCF-style: chr2-209978598-C-G. GRCh37 (hg19) VCF-style: chr2-210843322-C-G.
Other names: c.8810C>G, p.Thr2937Ser (NM_032504.2); c.8795C>G, p.Thr2932Ser (NM_182587.4); short protein forms T2932S, T3003S, T2937S.
Identifiers: ClinVar variation 1362487 (VCV001362487.6), dbSNP rs2125019220, ClinGen allele CA350414523.